The following is an entry in ClinVar:

NM_173628.4(DNAH17):c.1076_1077dup (p.Lys360Ter)

Gene: DNAH17 (dynein axonemal heavy chain 17; minus strand). Cytogenetic location: 17q25.3.
Variant type: Duplication.
Coding change: c.1076_1077dup on transcript NM_173628.4 (MANE Select); coding-DNA positions 1076 to 1077, 2 bases duplicated (TG; older notation c.1076_1077dupTG).
Protein change: p.Lys360Ter; replaces lysine 360 with a stop codon.
Molecular consequence: nonsense.
Genome position (GRCh38, 1-based): chr17:78,569,495-78,569,496, CA duplicated on the plus strand (TG on the coding strand, the reverse complement: DNAH17 is on the minus strand). VCF-style (leftmost placement, unchanged base first): chr17-78569494-T-TCA. GRCh37 (hg19) VCF-style: chr17-76565576-T-TCA.
Other names: short protein forms K360*.
Identifiers: ClinVar variation 3388882 (VCV003388882.15).

ClinVar aggregate classification (germline): Pathogenic. Review status: criteria provided, multiple submitters, no conflicts (2 of 4 stars). 2 submissions from 2 submitters: Pathogenic (2). Last evaluated 2026-07-13.

Conditions:
Male infertility. Identifiers: MedGen C0021364, MeSH D007248, MONDO:0005372, HP:0003251.

Submissions (2):

Institute of Reproductive Genetics, University of Münster
Classification: Pathogenic for Male infertility. Last evaluated: 2026-07-13. Review status: criteria provided, single submitter. Criteria: Uk Practice Guidelines For Variant Classification V4 01 2020. Collection method: clinical testing. Allele origin: germline. Inheritance: Autosomal recessive inheritance. Affected: yes.
Comment: PVS1, PM2_supporting (MAF GnomAD v4 <0.01), PM3 (observed in trans with another pathogenic variant)

CeGaT Center for Human Genetics Tuebingen
Classification: Pathogenic. Last evaluated: 2024-10-01. Review status: criteria provided, single submitter. Criteria: CeGaT Center For Human Genetics Tuebingen Variant Classification Criteria Version 2. Collection method: clinical testing. Allele origin: germline. Affected: yes. Observed: 1 variant allele.
Comment: DNAH17: PVS1, PM2